The following is an entry in ClinVar:

NM_153365.3(TAPT1):c.1190C>T (p.Ser397Phe)

Gene: TAPT1 (transmembrane anterior posterior transformation 1; minus strand). Cytogenetic location: 4p15.32.
Variant type: single nucleotide variant.
Coding change: c.1190C>T on transcript NM_153365.3 (MANE Select); coding-DNA position 1190, C replaced by T.
Protein change: p.Ser397Phe; replaces serine 397 with phenylalanine.
Molecular consequence: missense variant.
Genome position (GRCh38, 1-based): chr4:16,174,250, G>A on the plus strand (C>T on the coding strand, the complement: TAPT1 is on the minus strand). VCF-style: chr4-16174250-G-A. GRCh37 (hg19) VCF-style: chr4-16175873-G-A.
Other names: short protein forms S397F.
Identifiers: ClinVar variation 1500552 (VCV001500552.8), dbSNP rs2149674271, ClinGen allele CA356493717.

ClinVar aggregate classification (germline): Uncertain significance (1 of 4 stars; one submission).

Submission:

Labcorp Genetics (formerly Invitae), Labcorp
Classification: Uncertain significance. Last evaluated: 2020-12-21. Review status: criteria provided, single submitter. Criteria: Invitae Variant Classification Sherloc (09022015). Collection method: clinical testing. Allele origin: germline.
Comment: In summary, the available evidence is currently insufficient to determine the role of this variant in disease. Therefore, it has been classified as a Variant of Uncertain Significance. Algorithms developed to predict the effect of missense changes on protein structure and function are either unavailable or do not agree on the potential impact of this missense change (SIFT: "Tolerated"; PolyPhen-2: "Probably Damaging"; Align-GVGD: "Class C0"). This variant has not been reported in the literature in individuals with TAPT1-related conditions. This variant is not present in population databases (ExAC no frequency). This sequence change replaces serine with phenylalanine at codon 397 of the TAPT1 protein (p.Ser397Phe). The serine residue is moderately conserved and there is a large physicochemical difference between serine and phenylalanine.